The following is an entry in ClinVar:

ClinVar aggregate classification (germline): Pathogenic. Review status: reviewed by expert panel (3 of 4 stars). 2 submissions from 2 submitters: Pathogenic (1). 1 of the submissions does not count toward it. Last evaluated 2016-10-18.

Conditions:
Breast-ovarian cancer, familial, susceptibility to, 1 (BROVCA1). Also called: OVARIAN CANCER, SUSCEPTIBILITY TO; BRCA1 Hereditary Breast and Ovarian Cancer. Identifiers: Orphanet 145, MedGen C2676676, MONDO:0011450, OMIM 604370. Disease mechanism: loss of function.

Submissions (2):

Evidence-based Network for the Interpretation of Germline Mutant Alleles (ENIGMA)
Classification: Pathogenic for Breast-ovarian cancer, familial, susceptibility to, 1. Last evaluated: 2016-10-18. Review status: reviewed by expert panel. Criteria: ENIGMA BRCA1/2 Classification Criteria (2015). Collection method: curation. Allele origin: germline.
Comment: Variant allele predicted to encode a truncated non-functional protein.

Consortium of Investigators of Modifiers of BRCA1/2 (CIMBA), c/o University of Cambridge
Classification: Pathogenic for Breast-ovarian cancer, familial, susceptibility to, 1. Last evaluated: 2015-10-02. Review status: criteria provided, single submitter. Criteria: CIMBA Mutation Classification guidelines May 2016. Collection method: clinical testing. Allele origin: germline. Not counted in ClinVar's aggregate classification.

NM_007294.4(BRCA1):c.2914G>T (p.Gly972Ter)

Gene: BRCA1 (BRCA1 DNA repair associated; minus strand). Cytogenetic location: 17q21.31.
Variant type: single nucleotide variant.
Coding change: c.2914G>T on transcript NM_007294.4 (MANE Select); coding-DNA position 2914, G replaced by T.
Protein change: p.Gly972Ter; replaces glycine 972 with a stop codon.
Molecular consequence: nonsense. On other transcripts: intron variant (137).
Genome position (GRCh38, 1-based): chr17:43,092,617, C>A on the plus strand (G>T on the coding strand, the complement: BRCA1 is on the minus strand). VCF-style: chr17-43092617-C-A. GRCh37 (hg19) VCF-style: chr17-41244634-C-A.
Other names: 3033G>T; c.2914G>T, p.Gly972Ter (NM_001407639.1, NM_001407640.1, NM_001407641.1 and 30 more transcripts); c.2911G>T, p.Gly971Ter (NM_001407644.1, NM_001407645.1, NM_001407860.1 and 22 more transcripts); c.2905G>T, p.Gly969Ter (NM_001407646.1, NM_001407647.1); c.2791G>T, p.Gly931Ter (NM_001407648.1, NM_001407664.1, NM_001407665.1 and 19 more transcripts); c.2788G>T, p.Gly930Ter (NM_001407649.1, NM_001407670.1, NM_001407671.1 and 11 more transcripts); c.2836G>T, p.Gly946Ter (NM_001407653.1, NM_001407654.1, NM_001407655.1 and 4 more transcripts); c.2833G>T, p.Gly945Ter (NM_001407659.1, NM_001407660.1, NM_001407661.1 and 1 more transcripts); and 42 more; short protein forms G972*, G925*, G804*, G844*, G861*, G883*, G905*, G931*.
Identifiers: ClinVar variation 54715 (VCV000054715.7), dbSNP rs397509023, ClinGen allele CA001900.
Genomic context (GRCh38, chr17:43,092,617, plus strand): 5'-TTTTAACAAATGACTTGATGGGAAAAAGTGGTGGTATACGATATGGGTTTTGTAAAAGTC[C>A]ATGTTTATTTGGAGTAATGAGTCCAGTTTCGTTGCCTCTGAACTGAGATGATAGACAAAA-3'